The following is an entry in ClinVar:

NM_000334.4(SCN4A):c.4765G>A (p.Val1589Met)

Genes: GH-LCR (growth hormone locus control region; plus strand), SCN4A (sodium voltage-gated channel alpha subunit 4; minus strand). Cytogenetic location: 17q23.3.
Variant type: single nucleotide variant.
Coding change: c.4765G>A on transcript NM_000334.4 (MANE Select); coding-DNA position 4765, G replaced by A.
Protein change: p.Val1589Met; replaces valine 1589 with methionine.
Molecular consequence: missense variant.
Genome position (GRCh38, 1-based): chr17:63,941,517, C>T on the plus strand (G>A on the coding strand, the complement: SCN4A is on the minus strand). VCF-style: chr17-63941517-C-T. GRCh37 (hg19) VCF-style: chr17-62018877-C-T.
Other names: short protein forms V1589M.
Identifiers: ClinVar variation 5905 (VCV000005905.67), dbSNP rs121908548, ClinGen allele CA117842.

ClinVar aggregate classification (germline): Pathogenic. Review status: criteria provided, multiple submitters, no conflicts (2 of 4 stars). 11 submissions from 10 submitters: Pathogenic (9). 2 of the submissions do not count toward it. Last evaluated 2026-05-02.

Conditions:
Skeletal muscle channelopathy.
SCN4A-related disorder. Also called: SCN4A-related disorders.
Paramyotonia congenita of Von Eulenburg. Also called: Eulenburg disease; Myotonia congenita intermittens; Von Eulenburg paramyotonia congenita; Paramyotonia Congenita; PARALYSIS PERIODICA PARAMYOTONICA. Identifiers: Orphanet 684, MedGen C0221055, MONDO:0008195, OMIM 168300. Disease mechanism: loss of function.
Hypokalemic periodic paralysis, type 2 (HOKPP2). Identifiers: Orphanet 681, MedGen C2750061, MONDO:0013234, OMIM 613345.
Hyperkalemic periodic paralysis. Also called: Familial hyperkalemic periodic paralysis; Gamstorp disease. Identifiers: Orphanet 682, MedGen C0238357, MONDO:0008224, OMIM 170500, HP:0007215.
Potassium-aggravated myotonia. Also called: Myotonia congenita, atypical, acetazolamide-responsive; MYOTONIA CONGENITA, ACETAZOLAMIDE-RESPONSIVE; MYOTONIA CONGENITA, ATYPICAL; SODIUM CHANNEL MUSCLE DISEASE. Identifiers: Orphanet 612, Orphanet 99734, Orphanet 99735, Orphanet 99736, MedGen C2931826, MONDO:0018959, OMIM 608390.

Allele frequency attached by ClinVar (database versions not stated): gnomAD exomes 0.00001.
gnomAD v4.1: 6 of 1,614,006 alleles (0.00037%); highest among the groups gnomAD compares: Non-Finnish European, 0.00051%; no homozygotes.

Submissions (11):

Genetics Laboratory, Great Ormond Street Hospital NHS Foundation Trust, North Thames Genomic Laboratory Hub
Classification: Pathogenic for Skeletal muscle channelopathy. Last evaluated: 2026-05-02. Review status: criteria provided, single submitter. Criteria: ACGS Best Practice Guidelines for Variant Classification in Rare Disease 2024 v1.2. Collection method: clinical testing. Allele origin: germline. Affected: yes.
Comment: PS4_moderate, PP3_supporting, PS3_moderate, PP1_strong, PP4_supporting

Labcorp Genetics (formerly Invitae), Labcorp
Classification: Pathogenic for Hyperkalemic periodic paralysis. Last evaluated: 2026-01-19. Review status: criteria provided, single submitter. Criteria: Invitae Variant Classification Sherloc (09022015). Collection method: clinical testing. Allele origin: germline.
Comment: This sequence change replaces valine, which is neutral and non-polar, with methionine, which is neutral and non-polar, at codon 1589 of the SCN4A protein (p.Val1589Met). This variant is not present in population databases (gnomAD no frequency). This missense change has been observed in individuals with paramyotonia congenita (PMID: 8242056, 9771789, 18166706, 23771340, 23810313, 25755818). It has also been observed to segregate with disease in related individuals. ClinVar contains an entry for this variant (Variation ID: 5905). Invitae Evidence Modeling of protein sequence and biophysical properties (such as structural, functional, and spatial information, amino acid conservation, physicochemical variation, residue mobility, and thermodynamic stability) has been performed for this missense variant. However, the output from this modeling did not meet the statistical confidence thresholds required to predict the impact of this variant on SCN4A protein function. Experimental studies have shown that this missense change affects SCN4A function (PMID: 11744749). For these reasons, this variant has been classified as Pathogenic.

GeneDx
Classification: Pathogenic. Last evaluated: 2025-04-03. Review status: criteria provided, single submitter. Criteria: GeneDx Variant Classification Process June 2021. Collection method: clinical testing. Allele origin: germline. Affected: yes.
Comment: Multiple in vitro and in vivo functional studies show that V1589M alters properties of channel inactivation, resulting in faster channel recovery after inactivation. Rapid re-opening of sodium channels most likely underlies the hyperexcitability associated with sodium channel myotonia (PMID: 1668369, 7965854, 11744749, 28877545); Not observed at significant frequency in large population cohorts (gnomAD); In silico analysis indicates that this missense variant does not alter protein structure/function; This variant is associated with the following publications: (PMID: 28378410, 11744749, 8242056, 18166706, 29050397, 21664816, 7965854, 28877545, 1668369, 9771789, 27415035, 25755818, 33573884, 23771340, 36796140, 21387378, 27486940, 33325393, 22016737, 16624558, 32670189, 36782059, 23810313, 38676661)

Blueprint Genetics
Classification: Pathogenic for SCN4A-related disorders. Last evaluated: 2024-09-24. Review status: criteria provided, single submitter. Criteria: ACMG Guidelines, 2015. Collection method: clinical testing. Allele origin: germline. Affected: yes. Observed: 5 variant alleles.

Athena Diagnostics
Classification: Pathogenic. Last evaluated: 2024-01-24. Review status: criteria provided, single submitter. Criteria: Athena Diagnostics Criteria. Collection method: clinical testing. Allele origin: unknown.
Comment: This variant has been identified in multiple unrelated individuals with paramyotonia congenita and potassium-aggravated myotonia. This variant has not been reported in large, multi-ethnic general populations. This variant segregates with disease in multiple families. Assessment of experimental evidence suggests this variant results in abnormal protein function. (PMID: 7965854)

Revvity Omics, Revvity
Classification: Pathogenic. Last evaluated: 2022-08-30. Review status: criteria provided, single submitter. Criteria: ACMG Guidelines, 2015. Collection method: clinical testing. Allele origin: germline.

Dasa
Classification: Pathogenic for Hypokalemic periodic paralysis, type 2. Last evaluated: 2022-03-05. Review status: criteria provided, single submitter. Criteria: ACMG Guidelines, 2015. Collection method: clinical testing. Allele origin: germline. Affected: yes. Observed: 1 variant allele.
Comment: Well-established in vitro or in vivo functional studies supportive of a damaging effect on the gene or gene product (PMID: 11744749; 7965854; 8242056) - PS3_moderate.The c.4765G>A;p.(Val1589Met) missense variant has been observed in affected individual(s) and ClinVar contains an entry for this variant (ClinVar ID: 5905; PMID: 25755818; PMID: 9771789; PMID: 23810313; PMID:23771340; PMID: 18166706; PMID: 16624558) - PS4. The variant is located in a mutational hot spot and/or critical and well-established functional domain (Ion_trans; PKD_channel) - PM1. This variant is not present in population databases (rs121908548- gnomAD; ABraOM no frequency) - PM2. The variant co-segregated with disease in multiple affected family members (PMID: 25755818; 16624558; 9771789) - PP1_strong. Multiple lines of computational evidence support a deleterious effect on the gene or gene product - PP3. In summary, the currently available evidence indicates that the variant is pathogenic.

MGZ Medical Genetics Center
Classification: Pathogenic for Paramyotonia congenita of Von Eulenburg. Last evaluated: 2021-09-10. Review status: criteria provided, single submitter. Criteria: ACMG Guidelines, 2015. Collection method: clinical testing. Allele origin: germline. Affected: yes. Observed: 1 variant allele.
Comment: ACMG criteria applied: PS3, PS4, PM2_SUP, PP1, PP3

CeGaT Center for Human Genetics Tuebingen
Classification: Pathogenic. Last evaluated: 2020-12-01. Review status: criteria provided, single submitter. Criteria: CeGaT Center For Human Genetics Tuebingen Variant Classification Criteria Version 2. Collection method: clinical testing. Allele origin: germline. Affected: yes. Observed: 1 variant allele.

OMIM
Classification: Pathogenic for MYOTONIA, POTASSIUM-AGGRAVATED. Last evaluated: 1998-10-01. Review status: no assertion criteria provided. Collection method: literature only. Allele origin: germline. Not counted in ClinVar's aggregate classification.

OMIM
Classification: Pathogenic for PARAMYOTONIA CONGENITA. Last evaluated: 1998-10-01. Review status: no assertion criteria provided. Collection method: literature only. Allele origin: germline. Not counted in ClinVar's aggregate classification.

Literature cited by the submitters: PubMed 8242056 (cited by 4 submitters); PubMed 9771789 (cited by 4 submitters); PubMed 18166706 (cited by 3 submitters); PubMed 23771340 (cited by 3 submitters); PubMed 23810313 (cited by 3 submitters); PubMed 25755818 (cited by 3 submitters); PubMed 11744749 (cited by 3 submitters); PubMed 7965854 (cited by Athena Diagnostics and Dasa); PubMed 32670189 (cited by Athena Diagnostics); PubMed 36796140 (cited by Athena Diagnostics); PubMed 33573884 (cited by Athena Diagnostics); PubMed 36782059 (cited by Athena Diagnostics); PubMed 16624558 (cited by Athena Diagnostics and Dasa); PubMed 1668369 (cited by OMIM).